The following is an entry in ClinVar:

NM_007294.4(BRCA1):c.2187del (p.Glu730fs)

Gene: BRCA1 (BRCA1 DNA repair associated; minus strand). Cytogenetic location: 17q21.31.
Variant type: Deletion.
Coding change: c.2187del on transcript NM_007294.4 (MANE Select); coding-DNA position 2187, one base deleted (A; older notation c.2187delA).
Protein change: p.Glu730fs; shifts the reading frame from glutamic acid 730.
Molecular consequence: frameshift variant. On other transcripts: intron variant (137).
Genome position (GRCh38, 1-based): chr17:43,093,344, T deleted on the plus strand (A on the coding strand, the reverse complement: BRCA1 is on the minus strand); the first of 2 consecutive T bases (chr17:43,093,344-43,093,345); deleting either gives the same sequence. VCF-style (leftmost placement, unchanged base first): chr17-43093343-CT-C. GRCh37 (hg19) VCF-style: chr17-41245360-CT-C.
Other names: c.1974del, p.Glu659fs (NM_001407571.1, NM_001407853.1, NM_001407894.1 and 9 more transcripts); c.2187del, p.Glu730fs (NM_001407581.1, NM_001407582.1, NM_001407583.1 and 30 more transcripts); c.2184del, p.Glu729fs (NM_001407587.1, NM_001407590.1, NM_001407591.1 and 22 more transcripts); c.2187delA (NM_007294.3); c.2178del, p.Glu727fs (NM_001407646.1, NM_001407647.1); c.2064del, p.Glu689fs (NM_001407648.1, NM_001407664.1, NM_001407665.1 and 19 more transcripts); c.2061del, p.Glu688fs (NM_001407649.1, NM_001407670.1, NM_001407671.1 and 11 more transcripts); c.2109del, p.Glu704fs (NM_001407653.1, NM_001407654.1, NM_001407655.1 and 4 more transcripts); and 42 more; short protein forms E683fs, E730fs, E562fs, E641fs, E659fs, E703fs, E434fs, E603fs.
Identifiers: ClinVar variation 1787347 (VCV001787347.5), dbSNP rs2552192281, ClinGen allele CA2580094073.

ClinVar aggregate classification (germline): Pathogenic. Review status: criteria provided, multiple submitters, no conflicts (2 of 4 stars). 2 submissions from 2 submitters: Pathogenic (2). Last evaluated 2024-10-21.

Conditions:
Hereditary cancer-predisposing syndrome. Also called: Neoplastic Syndromes, Hereditary; Tumor predisposition; Hereditary Cancer Syndrome; Hereditary neoplastic syndrome. Identifiers: Orphanet 140162, MedGen C0027672, MeSH D009386, MONDO:0015356.
Hereditary breast ovarian cancer syndrome. Also called: Hereditary breast and ovarian cancer; Hereditary breast and ovarian cancer syndrome (HBOC); Hereditary breast and ovarian cancer syndrome; Breast and ovarian cancer; Hereditary breast and/or ovarian cancer syndrome; BRCA1- and BRCA2-Associated Hereditary Breast and Ovarian Cancer. Identifiers: Orphanet 145, MedGen C0677776, MeSH D061325, MONDO:0003582. Disease mechanism: loss of function.

Submissions (2):

Labcorp Genetics (formerly Invitae), Labcorp
Classification: Pathogenic for Hereditary breast ovarian cancer syndrome. Last evaluated: 2024-10-21. Review status: criteria provided, single submitter. Criteria: Invitae Variant Classification Sherloc (09022015). Collection method: clinical testing. Allele origin: germline.
Comment: This sequence change creates a premature translational stop signal (p.Glu730Lysfs*6) in the BRCA1 gene. It is expected to result in an absent or disrupted protein product. Loss-of-function variants in BRCA1 are known to be pathogenic (PMID: 20104584). This variant is not present in population databases (gnomAD no frequency). This variant has not been reported in the literature in individuals affected with BRCA1-related conditions. ClinVar contains an entry for this variant (Variation ID: 1787347). For these reasons, this variant has been classified as Pathogenic.

Ambry Genetics
Classification: Pathogenic for Hereditary cancer-predisposing syndrome. Last evaluated: 2021-08-18. Review status: criteria provided, single submitter. Criteria: Ambry Variant Classification Scheme 2023. Collection method: clinical testing. Allele origin: germline.
Comment: The c.2187delA pathogenic mutation, located in coding exon 9 of the BRCA1 gene, results from a deletion of one nucleotide at nucleotide position 2187, causing a translational frameshift with a predicted alternate stop codon (p.E730Kfs*6). This alteration is expected to result in loss of function by premature protein truncation or nonsense-mediated mRNA decay. As such, this alteration is interpreted as a disease-causing mutation.

Literature cited by the submitters: PubMed 20104584 (cited by Labcorp Genetics (formerly Invitae), Labcorp).